The following is an entry in ClinVar:

NM_021922.3(FANCE):c.1139C>T (p.Ser380Phe)

Gene: FANCE (FA complementation group E; plus strand). Cytogenetic location: 6p21.31.
Variant type: single nucleotide variant.
Coding change: c.1139C>T on transcript NM_021922.3 (MANE Select); coding-DNA position 1139, C replaced by T.
Protein change: p.Ser380Phe; replaces serine 380 with phenylalanine.
Molecular consequence: missense variant.
Genome position (GRCh38, 1-based): chr6:35,459,356, C>T. VCF-style: chr6-35459356-C-T. GRCh37 (hg19) VCF-style: chr6-35427133-C-T.
Other names: c.1139C>T, p.Ser380Phe (NM_001410876.1); short protein forms S380F.
Identifiers: ClinVar variation 2903051 (VCV002903051.3), dbSNP rs745461880, ClinGen allele CA3771613.
Genomic context (GRCh38, chr6:35,459,356, plus strand): 5'-AAAATAATTAATTTTTTCCTCCCTGTTGGCTGTAGATCCTCTCCTTGACTTCCTCAGCCT[C>T]CCGCCTGCTTACAACTGCCCTGACCTCCTTCTGTGCCAAATATACATACCCTGTCTGCAG-3'
Protein context (NP_068741.1, residues 370-390): GRILSLTSSA[Ser380Phe]RLLTTALTSF

ClinVar aggregate classification (germline): Uncertain significance (1 of 4 stars; one submission).

Conditions:
Fanconi anemia complementation group E (FANCE). Also called: FANCE-Related Fanconi Anemia. Identifiers: Orphanet 84, MedGen C3160739, MONDO:0010953, OMIM 600901.

Allele frequency attached by ClinVar (database versions not stated): gnomAD exomes 0.00001; ExAC 0.00002.
gnomAD v4.1: 5 of 1,614,132 alleles (0.00031%); highest among the groups gnomAD compares: South Asian, 0.0055%; no homozygotes.

Submission:

Labcorp Genetics (formerly Invitae), Labcorp
Classification: Uncertain significance for Fanconi anemia complementation group E. Last evaluated: 2024-08-27. Review status: criteria provided, single submitter. Criteria: Invitae Variant Classification Sherloc (09022015). Collection method: clinical testing. Allele origin: germline.
Comment: This sequence change replaces serine, which is neutral and polar, with phenylalanine, which is neutral and non-polar, at codon 380 of the FANCE protein (p.Ser380Phe). This variant is present in population databases (rs745461880, gnomAD 0.006%). This variant has not been reported in the literature in individuals affected with FANCE-related conditions. Invitae Evidence Modeling of protein sequence and biophysical properties (such as structural, functional, and spatial information, amino acid conservation, physicochemical variation, residue mobility, and thermodynamic stability) indicates that this missense variant is expected to disrupt FANCE protein function with a positive predictive value of 80%. In summary, the available evidence is currently insufficient to determine the role of this variant in disease. Therefore, it has been classified as a Variant of Uncertain Significance.